The following is an entry in ClinVar:

NM_020812.4(DOCK6):c.616_617dup (p.Leu207fs)

Gene: DOCK6 (dedicator of cytokinesis 6; minus strand). Cytogenetic location: 19p13.2.
Variant type: Microsatellite.
Coding change: c.616_617dup on transcript NM_020812.4 (MANE Select); coding-DNA positions 616 to 617, 2 bases duplicated (CT; older notation c.616_617dupCT).
Protein change: p.Leu207fs; shifts the reading frame from leucine 207.
Molecular consequence: frameshift variant.
Genome position (GRCh38, 1-based): chr19:11,250,977-11,250,978, AG duplicated on the plus strand (CT on the coding strand, the reverse complement: DOCK6 is on the minus strand); duplicating any 2 consecutive bases within chr19:11,250,977-11,250,982 gives the same sequence; the c. name uses the placement nearest the transcript's 3' end. VCF-style (leftmost placement, unchanged base first): chr19-11250976-C-CAG. GRCh37 (hg19) VCF-style: chr19-11361652-C-CAG.
Other names: c.616_617dupCT (NM_020812.4); c.616_617dup, p.Leu207fs (NM_001367830.1); short protein forms L207fs.
Identifiers: ClinVar variation 1939973 (VCV001939973.7), dbSNP rs1321312835, ClinGen allele CA631773866.

ClinVar aggregate classification (germline): Pathogenic/Likely pathogenic. Review status: criteria provided, multiple submitters, no conflicts (2 of 4 stars). 3 submissions from 3 submitters: Pathogenic (2); Likely pathogenic (1). Last evaluated 2026-01-08.

Conditions:
Adams-Oliver syndrome 2 (AOS2). Identifiers: Orphanet 974, MedGen C3280182, MONDO:0013635, OMIM 614219.

Submissions (3):

Women's Health and Genetics/Laboratory Corporation of America, LabCorp
Classification: Pathogenic for Adams-Oliver syndrome 2. Last evaluated: 2026-01-08. Review status: criteria provided, single submitter. Criteria: LabCorp Variant Classification Summary - May 2015. Collection method: clinical testing. Allele origin: germline.
Comment: Variant summary: DOCK6 c.616_617dupCT (p.Leu207CysfsX2) results in a premature termination codon, predicted to cause a truncation of the encoded protein or absence of the protein due to nonsense mediated decay, which are commonly known mechanisms for disease. The variant allele was found at a frequency of 4e-06 in 248438 control chromosomes. To our knowledge, no occurrence of c.616_617dupCT in individuals affected with DOCK6-related conditions and no experimental evidence demonstrating its impact on protein function have been reported. ClinVar contains an entry for this variant (Variation ID: 1939973). Based on the evidence outlined above, the variant was classified as pathogenic.

Variantyx, Inc.
Classification: Likely pathogenic for Adams-Oliver syndrome 2. Last evaluated: 2025-05-07. Review status: criteria provided, single submitter. Criteria: Variantyx Assertion Criteria 2022. Collection method: clinical testing. Allele origin: germline. Inheritance: Autosomal recessive inheritance. Affected: no.
Comment: This is a frameshift variant in the DOCK6 gene (OMIM: 614194). Pathogenic variants in this gene have been associated with autosomal recessive Adams-Oliver syndrome 2. This variant introduces a premature termination codon in exon 6 out of 48 and is expected to result in loss of function, which is a known disease mechanism for DOCK6 in this disorder (PMID: 21820096, 25824905) (PVS1). This variant has a 0.0022% maximum allele frequency in non-founder control populations (PM2). Based on the current evidence, this variant is classified as likely pathogenic for autosomal recessive Adams-Oliver syndrome 2.other variant of clinical significance was identified in the DOCK6 gene. A single pathogenic variant in a gene associated with autosomal recessive disease is generally insufficient to cause disease. Therefore, this finding likely represents carrier status.

Labcorp Genetics (formerly Invitae), Labcorp
Classification: Pathogenic. Last evaluated: 2025-01-06. Review status: criteria provided, single submitter. Criteria: Invitae Variant Classification Sherloc (09022015). Collection method: clinical testing. Allele origin: germline.
Comment: This sequence change creates a premature translational stop signal (p.Leu207Cysfs*2) in the DOCK6 gene. It is expected to result in an absent or disrupted protein product. Loss-of-function variants in DOCK6 are known to be pathogenic (PMID: 21820096, 25824905). This variant is present in population databases (no rsID available, gnomAD 0.003%). This variant has not been reported in the literature in individuals affected with DOCK6-related conditions. Algorithms developed to predict the effect of sequence changes on RNA splicing suggest that this variant may disrupt the consensus splice site. For these reasons, this variant has been classified as Pathogenic.

Literature cited by the submitters: PubMed 21820096 (cited by Variantyx, Inc. and Labcorp Genetics (formerly Invitae), Labcorp); PubMed 25824905 (cited by Variantyx, Inc. and Labcorp Genetics (formerly Invitae), Labcorp).